The following is an entry in ClinVar:

NM_017780.4(CHD7):c.6440C>G (p.Ala2147Gly)

Gene: CHD7 (chromodomain helicase DNA binding protein 7; plus strand). Cytogenetic location: 8q12.2.
Variant type: single nucleotide variant.
Coding change: c.6440C>G on transcript NM_017780.4 (MANE Select); coding-DNA position 6440, C replaced by G.
Protein change: p.Ala2147Gly; replaces alanine 2147 with glycine.
Molecular consequence: missense variant. On other transcripts: intron variant (1).
Genome position (GRCh38, 1-based): chr8:60,853,165, C>G. VCF-style: chr8-60853165-C-G. GRCh37 (hg19) VCF-style: chr8-61765724-C-G.
Other names: c.6440C>G (NM_017780.3); c.1717-9064C>G (NM_001316690.1); short protein forms A2147G.
Identifiers: ClinVar variation 1335713 (VCV001335713.40), dbSNP rs966839733, ClinGen allele CA177354113.

ClinVar aggregate classification (germline): Uncertain significance. Review status: criteria provided, multiple submitters, no conflicts (2 of 4 stars). 3 submissions from 3 submitters: Uncertain significance (3). Last evaluated 2025-02-12.

Conditions:
CHARGE syndrome (CHARGE). Also called: Hittner Hirsch Kreh syndrome; CHARGE ASSOCIATION--COLOBOMA, HEART ANOMALY, CHOANAL ATRESIA, RETARDATION, GENITAL AND EAR ANOMALIES; Coloboma, heart anomaly, choanal atresia, retardation, genital and ear anomalies; CHARGE association; Hall-Hittner syndrome. Identifiers: Orphanet 138, MedGen C0265354, MONDO:0008965.
Inborn genetic diseases. Identifiers: MedGen C0950123, MeSH D030342.

Allele frequency attached by ClinVar (database versions not stated): gnomAD exomes below 0.00001.
gnomAD v4.1: 2 of 1,613,846 alleles (0.00012%); highest among the groups gnomAD compares: Middle Eastern, 0.016%; no homozygotes.

Submissions (3):

Ambry Genetics
Classification: Uncertain significance for Inborn genetic diseases. Last evaluated: 2025-02-12. Review status: criteria provided, single submitter. Criteria: Ambry Variant Classification Scheme 2023. Collection method: clinical testing. Allele origin: germline.

Labcorp Genetics (formerly Invitae), Labcorp
Classification: Uncertain significance for CHARGE syndrome. Last evaluated: 2024-01-11. Review status: criteria provided, single submitter. Criteria: Invitae Variant Classification Sherloc (09022015). Collection method: clinical testing. Allele origin: germline.
Comment: This sequence change replaces alanine, which is neutral and non-polar, with glycine, which is neutral and non-polar, at codon 2147 of the CHD7 protein (p.Ala2147Gly). This variant is not present in population databases (gnomAD no frequency). This variant has not been reported in the literature in individuals affected with CHD7-related conditions. ClinVar contains an entry for this variant (Variation ID: 1335713). Advanced modeling of protein sequence and biophysical properties (such as structural, functional, and spatial information, amino acid conservation, physicochemical variation, residue mobility, and thermodynamic stability) performed at Invitae indicates that this missense variant is not expected to disrupt CHD7 protein function with a negative predictive value of 95%. In summary, the available evidence is currently insufficient to determine the role of this variant in disease. Therefore, it has been classified as a Variant of Uncertain Significance.

CeGaT Center for Human Genetics Tuebingen
Classification: Uncertain significance. Last evaluated: 2021-10-01. Review status: criteria provided, single submitter. Criteria: CeGaT Center For Human Genetics Tuebingen Variant Classification Criteria Version 2. Collection method: clinical testing. Allele origin: germline. Affected: yes. Observed: 1 variant allele.